The following is an entry in ClinVar:

NM_001283009.2(RTEL1):c.2456A>G (p.Glu819Gly)

Genes: RTEL1 (regulator of telomere elongation helicase 1; plus strand), RTEL1-TNFRSF6B (RTEL1-TNFRSF6B readthrough (NMD candidate); plus strand). Cytogenetic location: 20q13.33.
Variant type: single nucleotide variant.
Coding change: c.2456A>G on transcript NM_001283009.2 (MANE Select); coding-DNA position 2456, A replaced by G.
Protein change: p.Glu819Gly; replaces glutamic acid 819 with glycine.
Molecular consequence: missense variant. On other transcripts: non-coding transcript variant (1).
Genome position (GRCh38, 1-based): chr20:63,690,847, A>G. VCF-style: chr20-63690847-A-G. GRCh37 (hg19) VCF-style: chr20-62322200-A-G.
Other names: c.1787A>G, p.Glu596Gly (NM_001283010.1); c.2456A>G, p.Glu819Gly (NM_016434.4); c.2528A>G, p.Glu843Gly (NM_032957.5); short protein forms E596G, E843G, E819G.
Identifiers: ClinVar variation 3435933 (VCV003435933.3).

ClinVar aggregate classification (germline): Uncertain significance. Review status: criteria provided, multiple submitters, no conflicts (2 of 4 stars). 3 submissions from 3 submitters: Uncertain significance (3). Last evaluated 2025-07-09.

Conditions:
Dyskeratosis congenita, autosomal recessive 5 (DKCB5). Identifiers: MedGen C3554656, MONDO:0014076, OMIM 615190.
Pulmonary fibrosis and/or bone marrow failure, Telomere-related, 3. Also called: PULMONARY FIBROSIS AND/OR BONE MARROW FAILURE SYNDROME, TELOMERE-RELATED, 3. Identifiers: Orphanet 2032, MedGen C4225346, MONDO:0014613, OMIM 616373.
Inborn genetic diseases. Identifiers: MedGen C0950123, MeSH D030342.

Submissions (3):

GeneDx
Classification: Uncertain significance. Last evaluated: 2025-07-09. Review status: criteria provided, single submitter. Criteria: GeneDx Variant Classification Process June 2021. Collection method: clinical testing. Allele origin: germline. Affected: yes.
Comment: Not observed at significant frequency in large population cohorts (gnomAD); In silico analysis supports that this missense variant has a deleterious effect on protein structure/function; Has not been previously published as pathogenic or benign to our knowledge

Ambry Genetics
Classification: Uncertain significance for Inborn genetic diseases. Last evaluated: 2024-11-17. Review status: criteria provided, single submitter. Criteria: Ambry Variant Classification Scheme 2023. Collection method: clinical testing. Allele origin: germline.
Comment: The p.E819G variant (also known as c.2456A>G), located in coding exon 26 of the RTEL1 gene, results from an A to G substitution at nucleotide position 2456. The glutamic acid at codon 819 is replaced by glycine, an amino acid with similar properties. This amino acid position is conserved. In addition, this alteration is predicted to be tolerated by in silico analysis. Based on the available evidence, the clinical significance of this variant remains unclear.

Fulgent Genetics
Classification: Uncertain significance for Dyskeratosis congenita, autosomal recessive 5; Pulmonary fibrosis and/or bone marrow failure, Telomere-related, 3. Last evaluated: 2024-03-06. Review status: criteria provided, single submitter. Criteria: ACMG Guidelines, 2015. Collection method: clinical testing. Allele origin: germline.